The following is an entry in ClinVar:

NM_020376.4(PNPLA2):c.1346G>C (p.Cys449Ser)

Gene: PNPLA2 (patatin like domain 2, triacylglycerol lipase; plus strand). Cytogenetic location: 11p15.5.
Variant type: single nucleotide variant.
Coding change: c.1346G>C on transcript NM_020376.4 (MANE Select); coding-DNA position 1346, G replaced by C.
Protein change: p.Cys449Ser; replaces cysteine 449 with serine.
Molecular consequence: missense variant.
Genome position (GRCh38, 1-based): chr11:824,693, G>C. VCF-style: chr11-824693-G-C. GRCh37 (hg19) VCF-style: chr11-824693-G-C.
Other names: short protein forms C449S.
Identifiers: ClinVar variation 2069740 (VCV002069740.5), dbSNP rs763670300, ClinGen allele CA5791379.

ClinVar aggregate classification (germline): Uncertain significance. Review status: criteria provided, multiple submitters, no conflicts (2 of 4 stars). 2 submissions from 2 submitters: Uncertain significance (2). Last evaluated 2022-12-13.

Conditions:
Neutral lipid storage myopathy (NLSDM). Also called: NEUTRAL LIPID STORAGE DISEASE WITHOUT ICHTHYOSIS. Identifiers: Orphanet 98908, MedGen C1853136, MONDO:0012545, OMIM 610717.

Allele frequency attached by ClinVar (database versions not stated): ExAC 0.00001; gnomAD 0.00001; gnomAD exomes 0.00001; TOPMed 0.00001.

Submissions (2):

Revvity Omics, Revvity
Classification: Uncertain significance for Neutral lipid storage myopathy. Last evaluated: 2022-12-13. Review status: criteria provided, single submitter. Criteria: ACMG Guidelines, 2015. Collection method: clinical testing. Allele origin: germline.

Labcorp Genetics (formerly Invitae), Labcorp
Classification: Uncertain significance for Neutral lipid storage myopathy. Last evaluated: 2022-04-20. Review status: criteria provided, single submitter. Criteria: Invitae Variant Classification Sherloc (09022015). Collection method: clinical testing. Allele origin: germline.
Comment: This sequence change replaces cysteine, which is neutral and slightly polar, with serine, which is neutral and polar, at codon 449 of the PNPLA2 protein (p.Cys449Ser). This variant is present in population databases (rs763670300, gnomAD 0.003%). This variant has not been reported in the literature in individuals affected with PNPLA2-related conditions. Algorithms developed to predict the effect of missense changes on protein structure and function are either unavailable or do not agree on the potential impact of this missense change (SIFT: "Tolerated"; PolyPhen-2: "Probably Damaging"; Align-GVGD: "Class C0"). In summary, the available evidence is currently insufficient to determine the role of this variant in disease. Therefore, it has been classified as a Variant of Uncertain Significance.